The following is an entry in ClinVar:

NM_177402.5(SYT2):c.965AGA[3] (p.Lys325del)

Gene: SYT2 (synaptotagmin 2; minus strand). Cytogenetic location: 1q32.1.
Variant type: Microsatellite.
Coding change: c.965AGA[3] on transcript NM_177402.5 (MANE Select); three copies in a row of the 3-base unit AGA starting at c.965; the reference has four copies in a row; one copy, 3 bases deleted.
Protein change: p.Lys325del; deletes lysine 325.
Molecular consequence: inframe deletion.
Genome position (GRCh38, 1-based): chr1:202,599,295-202,599,297, TCT deleted on the plus strand (AGA on the coding strand, the reverse complement: SYT2 is on the minus strand); deleting any 3 consecutive bases within chr1:202,599,295-202,599,307 gives the same sequence; the position shown is the placement nearest the transcript's 3' end. VCF-style (leftmost placement, unchanged base first): chr1-202599294-GTCT-G. GRCh37 (hg19) VCF-style: chr1-202568422-GTCT-G.
Other names: c.965AGA[3], p.Lys325del (NM_001136504.1); short protein forms K325del.
Identifiers: ClinVar variation 1492895 (VCV001492895.8), dbSNP rs759288000, ClinGen allele CA1333646.
Genomic context (GRCh38, chr1:202,599,294, plus strand): 5'-GGGATCTCAAAGCTGAAGGACTCGTTGAAGTATGGGTTCAGGGTCTTCTTCTTCACGGTT[GTCT>G]TCTTCTTCTTGAGCCTCTTGCCATTCTGCATCAGGTGGATCTTCACGTACGGGTCTGCGG-3'

ClinVar aggregate classification (germline): Uncertain significance (1 of 4 stars; one submission).

Submission:

Labcorp Genetics (formerly Invitae), Labcorp
Classification: Uncertain significance. Last evaluated: 2022-03-17. Review status: criteria provided, single submitter. Criteria: Invitae Variant Classification Sherloc (09022015). Collection method: clinical testing. Allele origin: germline.
Comment: The frequency data for this variant in the population databases is considered unreliable, as metrics indicate poor data quality at this position in the gnomAD database. This variant, c.974_976del, results in the deletion of 1 amino acid(s) of the SYT2 protein (p.Lys325del), but otherwise preserves the integrity of the reading frame. This variant has not been reported in the literature in individuals affected with SYT2-related conditions. Experimental studies and prediction algorithms are not available or were not evaluated, and the functional significance of this variant is currently unknown. In summary, the available evidence is currently insufficient to determine the role of this variant in disease. Therefore, it has been classified as a Variant of Uncertain Significance.